The following is an entry in ClinVar:

NM_003410.4(ZFX):c.1382_1392del (p.Cys461fs)

Gene: ZFX (zinc finger protein X-linked; plus strand). Cytogenetic location: Xp22.11.
Variant type: Deletion.
Coding change: c.1382_1392del on transcript NM_003410.4 (MANE Select); coding-DNA positions 1382 to 1392, 11 bases deleted (GTGATTACACT).
Protein change: p.Cys461fs; shifts the reading frame from cysteine 461.
Molecular consequence: frameshift variant. On other transcripts: 3 prime UTR variant (1).
Genome position (GRCh38, 1-based): chrX:24,210,340-24,210,350, GTGATTACACT deleted; deleting any 11 consecutive bases within chrX:24,210,337-24,210,350 gives the same sequence; the c. name uses the placement nearest the transcript's 3' end. VCF-style (leftmost placement, unchanged base first): chrX-24210336-GACTGTGATTAC-G. GRCh37 (hg19) VCF-style: chrX-24228453-GACTGTGATTAC-G.
Other names: c.1382_1392del, p.Cys461fs (NM_001178084.2, NM_001178085.1); c.695_705del, p.Cys232fs (NM_001178086.2); c.*142_*152del (NM_001178095.2); c.1499_1509del, p.Cys500fs (NM_001330327.2); short protein forms C232fs, C461fs, C500fs.
Identifiers: ClinVar variation 3367785 (VCV003367785.1).
Genomic context (GRCh38, chrX:24,210,336, plus strand): 5'-TTGAAAAGGCACATGAAAAACCATCCCGAACACCTTGCCAAGAAGAAATACCGCTGTACT[GACTGTGATTAC>G]ACTACCAACAAGAAGATAAGTTTACACAACCACCTGGAGAGCCACAAGCTGACCAGCAAG-3'

ClinVar aggregate classification (germline): Uncertain significance (1 of 4 stars; one submission).

Submission:

GeneDx
Classification: Uncertain significance. Last evaluated: 2024-01-17. Review status: criteria provided, single submitter. Criteria: GeneDx Variant Classification Process June 2021. Collection method: clinical testing. Allele origin: germline. Affected: yes.
Comment: Not observed at significant frequency in large population cohorts (gnomAD); Has not been previously published as pathogenic or benign to our knowledge; Variants in candidate genes are classified as variants of uncertain significance in accordance with ACMG guidelines (PMID: 25741868); Frameshift variant predicted to result in protein truncation or nonsense mediated decay in a gene or region of a gene for which loss of function is not a well-established mechanism of disease